The following is an entry in ClinVar:

ClinVar aggregate classification (germline): Pathogenic/Likely pathogenic. Review status: criteria provided, multiple submitters, no conflicts (2 of 4 stars). 2 submissions from 2 submitters: Pathogenic (1); Likely pathogenic (1). Last evaluated 2025-09-10.

Conditions:
Charlevoix-Saguenay spastic ataxia (SACS). Also called: SPASTIC ATAXIA 6, AUTOSOMAL RECESSIVE; AUTOSOMAL RECESSIVE SPASTIC ATAXIA OF CHARLEVOIX-SAGUENAY; Spastic ataxia of Charlevoix-Saguenay. Identifiers: Orphanet 98, MedGen C1849140, MONDO:0010041, OMIM 270550.

Submissions (2):

Genomic Medicine Center of Excellence, King Faisal Specialist Hospital and Research Centre
Classification: Likely pathogenic for Charlevoix-Saguenay spastic ataxia. Last evaluated: 2025-09-10. Review status: criteria provided, single submitter. Criteria: ACMG Guidelines, 2015. Collection method: clinical testing. Allele origin: germline.

GeneDx
Classification: Pathogenic. Last evaluated: 2015-07-27. Review status: criteria provided, single submitter. Criteria: GeneDx Variant Classification (06012015). Collection method: clinical testing. Allele origin: germline. Affected: yes.
Comment: The c.4265_4274dup10 duplication in the SACS gene has not been reported previously as a pathogenic variant nor as a benign polymorphism, to our knowledge. The c.4265_4274dup10 duplication causes aframeshift starting with codon Isoleucine 1426, changes this amino acid to an Alanine residue, and createsa premature Stop codon at position 2 of the new reading frame, denoted p.Ile1426AlafsX2. This variant is predicted to cause loss of normal protein function through protein truncation; it causes the deletion of thelast 3154 amino acids and an insertion of one incorrect amino acid. Protein truncating variantsdownstream of this duplication have been reported in the Human Gene Mutation Database in associationwith ARSACS (Stenson et al., 2014), supporting the pathogenicity of more upstream truncating variants.The c.4265_4274dup10 duplication was not observed in approximately 6,500 individuals of European andAfrican American ancestry in the NHLBI Exome Sequencing Project, indicating it is not a common benignvariant in these populations. We interpret c.4265_4274dup10 as a pathogenic variant.

NM_014363.6(SACS):c.4265_4274dup (p.Asp1425_Ile1426insAlaTer)

Gene: SACS (sacsin molecular chaperone; minus strand). Cytogenetic location: 13q12.12.
Variant type: Duplication.
Coding change: c.4265_4274dup on transcript NM_014363.6 (MANE Select); coding-DNA positions 4265 to 4274, 10 bases duplicated (TGCATGAGGA; older notation c.4265_4274dupTGCATGAGGA).
Protein change: p.Asp1425_Ile1426insAlaTer.
Molecular consequence: nonsense, inframe insertion.
Genome position (GRCh38, 1-based): chr13:23,339,602-23,339,611, TCCTCATGCA duplicated on the plus strand (TGCATGAGGA on the coding strand, the reverse complement: SACS is on the minus strand). VCF-style (leftmost placement, unchanged base first): chr13-23339601-G-GTCCTCATGCA. GRCh37 (hg19) VCF-style: chr13-23913740-G-GTCCTCATGCA.
Other names: c.3824_3833dup, p.Asp1278_Ile1279insAlaTer (NM_001278055.2).
Identifiers: ClinVar variation 419617 (VCV000419617.3), dbSNP rs1555252433, ClinGen allele CA16619619.